The following is an entry in ClinVar:

ClinVar aggregate classification (germline): Pathogenic/Likely pathogenic. Review status: criteria provided, multiple submitters, no conflicts (2 of 4 stars). 2 submissions from 2 submitters: Pathogenic (1); Likely pathogenic (1). Last evaluated 2024-03-17.

Conditions:
Neuronal ceroid lipofuscinosis 7 (CLN7). Also called: MFSD8-Related Neuronal Ceroid-Lipofuscinosis. Identifiers: Orphanet 168491, Orphanet 228366, MedGen C1838571, MONDO:0012588, OMIM 610951.

Submissions (2):

Genomic Medicine Center of Excellence, King Faisal Specialist Hospital and Research Centre
Classification: Pathogenic for Neuronal ceroid lipofuscinosis 7. Last evaluated: 2024-03-17. Review status: criteria provided, single submitter. Criteria: ACMG Guidelines, 2015. Collection method: research. Allele origin: germline.

Neuberg Centre For Genomic Medicine, NCGM
Classification: Likely pathogenic for Neuronal ceroid lipofuscinosis 7. Review status: criteria provided, single submitter. Criteria: ACMG Guidelines, 2015. Collection method: clinical testing. Allele origin: germline. Affected: yes.
Comment: The splice donor variant c.198+2T>C in MFSD8 (NM_152778.3) has not been reported previously as a pathogenic variant nor as a benign variant, to our knowledge. The c.198+2T>C variant is novel (not in any individuals) in gnomAD Exomes and is novel (not in any individuals) in 1000 Genomes. This variant mutates a splice-donor sequence, potentially resulting in the retention of large segments of intronic DNA by the mRNA and nonfunctional proteins. For these reasons, this variant has been classified as Likely Pathogenic

NM_001371596.2(MFSD8):c.198+2T>C

Gene: MFSD8 (major facilitator superfamily domain containing 8; minus strand). Cytogenetic location: 4q28.2.
Variant type: single nucleotide variant.
Coding change: c.198+2T>C on transcript NM_001371596.2 (MANE Select); the canonical splice donor site of the intron after coding-DNA position 198, T replaced by C.
Molecular consequence: splice donor variant.
Genome position (GRCh38, 1-based): chr4:127,949,802, A>G on the plus strand (T>C on the coding strand, the complement: MFSD8 is on the minus strand). VCF-style: chr4-127949802-A-G. GRCh37 (hg19) VCF-style: chr4-128870957-A-G.
Other names: c.63+2T>C (NM_001371595.1, NM_001410765.1, NM_001371590.2); c.198+2T>C (NM_152778.4, NM_001363521.3, NM_001410766.1 and 5 more transcripts).
Identifiers: ClinVar variation 1339217 (VCV001339217.6), dbSNP rs2148943607, ClinGen allele CA358178228.